The following is an entry in ClinVar:

NM_005670.4(EPM2A):c.152C>A (p.Ala51Asp)

Genes: EPM2A (EPM2A glucan phosphatase, laforin; minus strand), EPM2A-DT (EPM2A divergent transcript; plus strand), LOC129997381 (ATAC-STARR-seq lymphoblastoid silent region 17642; plus strand). Cytogenetic location: 6q24.3.
Variant type: single nucleotide variant.
Coding change: c.152C>A on transcript NM_005670.4 (MANE Select); coding-DNA position 152, C replaced by A.
Protein change: p.Ala51Asp; replaces alanine 51 with aspartic acid.
Molecular consequence: missense variant. On other transcripts: 5 prime UTR variant (3), intron variant (1).
Genome position (GRCh38, 1-based): chr6:145,735,347, G>T on the plus strand (C>A on the coding strand, the complement: EPM2A is on the minus strand). VCF-style: chr6-145735347-G-T. GRCh37 (hg19) VCF-style: chr6-146056483-G-T.
Other names: c.152C>A, p.Ala51Asp (NM_001018041.2, NM_001360057.2, NM_001368130.1); c.-518C>A (NM_001360071.2); c.-472C>A (NM_001368129.2); c.-216C>A (NM_001368131.1); c.-114+561C>A (NM_001360064.2); short protein forms A51D.
Identifiers: ClinVar variation 392977 (VCV000392977.2), dbSNP rs1057524725, ClinGen allele CA16604987.

ClinVar aggregate classification (germline): Uncertain significance (1 of 4 stars; one submission).

Allele frequency attached by ClinVar (database versions not stated): gnomAD exomes below 0.00001; gnomAD 0.00001; 1000 Genomes Project 30x 0.00016.
gnomAD v4.1: 5 of 1,204,272 alleles (0.00042%); highest among the groups gnomAD compares: South Asian, 0.0018%; no homozygotes.

Submission:

GeneDx
Classification: Uncertain significance. Last evaluated: 2017-01-23. Review status: criteria provided, single submitter. Criteria: GeneDx Variant Classification (06012015). Collection method: clinical testing. Allele origin: germline. Affected: yes.
Comment: A variant of uncertain significance has been identified in the EPM2A gene. The A51D variant has not been published as a pathogenic variant, nor has it been reported as a benign variant to our knowledge. No data are available from control populations to assess the frequency of this variant. The A51D variant is a non-conservative amino acid substitution, which is likely to impact secondary protein structure as these residues differ in polarity, charge, size and/or other properties. This substitution occurs at a position that is conserved in mammals. However, in silico analysis predicts this variant likely does not alter the protein structure/function. Therefore, based on the currently available information, it is unclear whether this variant is a pathogenic variant or a rare benign variant.